The following is an entry in ClinVar:

NM_133642.5(LARGE1):c.1586T>C (p.Val529Ala)

Gene: LARGE1 (LARGE xylosyl- and glucuronyltransferase 1; minus strand). Cytogenetic location: 22q12.3.
Variant type: single nucleotide variant.
Coding change: c.1586T>C on transcript NM_133642.5 (MANE Select); coding-DNA position 1586, T replaced by C.
Protein change: p.Val529Ala; replaces valine 529 with alanine.
Molecular consequence: missense variant.
Genome position (GRCh38, 1-based): chr22:33,304,373, A>G on the plus strand (T>C on the coding strand, the complement: LARGE1 is on the minus strand). VCF-style: chr22-33304373-A-G. GRCh37 (hg19) VCF-style: chr22-33700359-A-G.
Other names: c.1586T>C, p.Val529Ala (NM_001362949.2, NM_001362951.2, NM_001362953.2 and 6 more transcripts); c.1430T>C, p.Val477Ala (NM_001378629.1); c.983T>C, p.Val328Ala (NM_001378630.1); c.827T>C, p.Val276Ala (NM_001378631.1); short protein forms V328A, V276A, V477A, V529A.
Identifiers: ClinVar variation 1525704 (VCV001525704.6), dbSNP rs2146164640, ClinGen allele CA411544400.

ClinVar aggregate classification (germline): Uncertain significance (1 of 4 stars; one submission).

Conditions:
Muscular dystrophy-dystroglycanopathy type B6 (MDDGB6). Also called: MUSCULAR DYSTROPHY, CONGENITAL, LARGE-RELATED; MUSCULAR DYSTROPHY, CONGENITAL, TYPE 1D; MUSCULAR DYSTROPHY-DYSTROGLYCANOPATHY (CONGENITAL WITH IMPAIRED INTELLECTUAL DEVELOPMENT), TYPE B, 6. Identifiers: MedGen C1837229, MONDO:0012138, OMIM 608840.

gnomAD v4.1: 3 of 1,614,248 alleles (0.00019%); highest among the groups gnomAD compares: Non-Finnish European, 0.00025%; no homozygotes.

Submission:

Labcorp Genetics (formerly Invitae), Labcorp
Classification: Uncertain significance for Muscular dystrophy-dystroglycanopathy type B6. Last evaluated: 2022-11-22. Review status: criteria provided, single submitter. Criteria: Invitae Variant Classification Sherloc (09022015). Collection method: clinical testing. Allele origin: germline.
Comment: Advanced modeling of protein sequence and biophysical properties (such as structural, functional, and spatial information, amino acid conservation, physicochemical variation, residue mobility, and thermodynamic stability) has been performed at Invitae for this missense variant, however the output from this modeling did not meet the statistical confidence thresholds required to predict the impact of this variant on LARGE1 protein function. ClinVar contains an entry for this variant (Variation ID: 1525704). This variant has not been reported in the literature in individuals affected with LARGE1-related conditions. This variant is not present in population databases (gnomAD no frequency). This sequence change replaces valine, which is neutral and non-polar, with alanine, which is neutral and non-polar, at codon 529 of the LARGE1 protein (p.Val529Ala). In summary, the available evidence is currently insufficient to determine the role of this variant in disease. Therefore, it has been classified as a Variant of Uncertain Significance.